The following is an entry in ClinVar:

ClinVar aggregate classification (germline): Uncertain significance (1 of 4 stars; one submission).

Allele frequency attached by ClinVar (database versions not stated): gnomAD exomes 0.00001; ExAC 0.00003; gnomAD 0.00007; ESP Exome Variant Server 0.00008; TOPMed 0.00014.
gnomAD v4.1: 28 of 1,612,968 alleles (0.0017%); highest among the groups gnomAD compares: African/African-American, 0.025%; no homozygotes.

Submission:

Labcorp Genetics (formerly Invitae), Labcorp
Classification: Uncertain significance. Last evaluated: 2022-10-22. Review status: criteria provided, single submitter. Criteria: Invitae Variant Classification Sherloc (09022015). Collection method: clinical testing. Allele origin: germline.
Comment: This sequence change replaces glycine, which is neutral and non-polar, with tryptophan, which is neutral and slightly polar, at codon 627 of the TELO2 protein (p.Gly627Trp). This variant is present in population databases (rs139726833, gnomAD 0.03%). This variant has not been reported in the literature in individuals affected with TELO2-related conditions. Advanced modeling of protein sequence and biophysical properties (such as structural, functional, and spatial information, amino acid conservation, physicochemical variation, residue mobility, and thermodynamic stability) performed at Invitae indicates that this missense variant is expected to disrupt TELO2 protein function. In summary, the available evidence is currently insufficient to determine the role of this variant in disease. Therefore, it has been classified as a Variant of Uncertain Significance.

NM_016111.4(TELO2):c.1879G>T (p.Gly627Trp)

Gene: TELO2 (telomere maintenance 2; plus strand). Cytogenetic location: 16p13.3.
Variant type: single nucleotide variant.
Coding change: c.1879G>T on transcript NM_016111.4 (MANE Select); coding-DNA position 1879, G replaced by T.
Protein change: p.Gly627Trp; replaces glycine 627 with tryptophan.
Molecular consequence: missense variant.
Genome position (GRCh38, 1-based): chr16:1,505,446, G>T. VCF-style: chr16-1505446-G-T. GRCh37 (hg19) VCF-style: chr16-1555447-G-T.
Other names: c.1879G>T, p.Gly627Trp (NM_001351846.2); short protein forms G627W.
Identifiers: ClinVar variation 2079152 (VCV002079152.1), dbSNP rs139726833, ClinGen allele CA7812384.